The following is an entry in ClinVar:

NM_000535.7(PMS2):c.2359A>G (p.Ile787Val)

Gene: PMS2 (PMS1 homolog 2, mismatch repair system component; minus strand). Cytogenetic location: 7p22.1.
Variant type: single nucleotide variant.
Coding change: c.2359A>G on transcript NM_000535.7 (MANE Select); coding-DNA position 2359, A replaced by G.
Protein change: p.Ile787Val; replaces isoleucine 787 with valine.
Molecular consequence: missense variant. On other transcripts: non-coding transcript variant (1).
Genome position (GRCh38, 1-based): chr7:5,977,674, T>C on the plus strand (A>G on the coding strand, the complement: PMS2 is on the minus strand). VCF-style: chr7-5977674-T-C. GRCh37 (hg19) VCF-style: chr7-6017305-T-C.
Other names: c.1954A>G, p.Ile652Val (NM_001322003.2, NM_001322004.2, NM_001322005.2); c.2203A>G, p.Ile735Val (NM_001322006.2); c.2041A>G, p.Ile681Val (NM_001322007.2, NM_001322008.2); c.1987A>G, p.Ile663Val (NM_001322009.2); c.1798A>G, p.Ile600Val (NM_001322010.2); c.1426A>G, p.Ile476Val (NM_001322011.2, NM_001322012.2); c.1786A>G, p.Ile596Val (NM_001322013.2); c.2392A>G, p.Ile798Val (NM_001322014.2); and 1 more; short protein forms I476V, I596V, I600V, I652V, I663V, I681V, I684V, I735V.
Identifiers: ClinVar variation 1692465 (VCV001692465.4), dbSNP rs191300933, ClinGen allele CA366735847.

ClinVar aggregate classification (germline): Uncertain significance. Review status: criteria provided, multiple submitters, no conflicts (2 of 4 stars). 2 submissions from 2 submitters: Uncertain significance (2). Last evaluated 2025-06-26.

Conditions:
Hereditary cancer-predisposing syndrome. Also called: Hereditary Cancer Syndrome; Hereditary neoplastic syndrome; Neoplastic Syndromes, Hereditary; Tumor predisposition. Identifiers: Orphanet 140162, MedGen C0027672, MeSH D009386, MONDO:0015356.

Submissions (2):

Ambry Genetics
Classification: Uncertain significance for Hereditary cancer-predisposing syndrome. Last evaluated: 2025-06-26. Review status: criteria provided, single submitter. Criteria: Ambry Variant Classification Scheme 2023. Collection method: clinical testing. Allele origin: germline.
Comment: The p.I787V variant (also known as c.2359A>G), located in coding exon 14 of the PMS2 gene, results from an A to G substitution at nucleotide position 2359. The isoleucine at codon 787 is replaced by valine, an amino acid with highly similar properties. This amino acid position is conserved. In addition, this alteration is predicted to be tolerated by in silico analysis. Based on the available evidence, the clinical significance of this variant remains unclear.

Sema4
Classification: Uncertain significance for Hereditary cancer-predisposing syndrome. Last evaluated: 2021-09-13. Review status: criteria provided, single submitter. Criteria: Sema4 Curation Guidelines. Collection method: curation. Allele origin: germline.
Comment: To the best of our knowledge, the PMS2 c.2359A>G (p.I787V) variant has not been reported in individuals with PMS2-related disease. This variant is not reported in the population database Genome Aggregation Database (PMID: 32461654). This variant has not been reported in ClinVar. Functional studies have not been performed, and in silico predictions of the variant's effect on protein function are inconclusive. The evidence is insufficient to meet ACMG/AMP criteria for classifying the variant as benign or pathogenic. Thus, the clinical significance of this variant is currently uncertain.